The following is an entry in ClinVar:

ClinVar aggregate classification (germline): Likely pathogenic (1 of 4 stars; one submission).

Submission:

Labcorp Genetics (formerly Invitae), Labcorp
Classification: Likely pathogenic. Last evaluated: 2022-02-08. Review status: criteria provided, single submitter. Criteria: Invitae Variant Classification Sherloc (09022015). Collection method: clinical testing. Allele origin: germline.
Comment: In summary, the currently available evidence indicates that the variant is pathogenic, but additional data are needed to prove that conclusively. Therefore, this variant has been classified as Likely Pathogenic. This sequence change affects an acceptor splice site in intron 64 of the COL11A2 gene. It is expected to disrupt RNA splicing. Variants that disrupt the donor or acceptor splice site typically lead to a loss of protein function (PMID: 16199547), and loss-of-function variants in COL11A2 are known to be pathogenic (PMID: 10677296, 21204229). This variant is not present in population databases (gnomAD no frequency). This variant has not been reported in the literature in individuals affected with COL11A2-related conditions. Algorithms developed to predict the effect of sequence changes on RNA splicing suggest that this variant may disrupt the consensus splice site.

Literature cited by the submitters: PubMed 16199547; PubMed 10677296; PubMed 21204229.

NM_080680.3(COL11A2):c.4864-1G>C

Gene: COL11A2 (collagen type XI alpha 2 chain; minus strand). Cytogenetic location: 6p21.32.
Variant type: single nucleotide variant.
Coding change: c.4864-1G>C on transcript NM_080680.3 (MANE Select); the canonical splice acceptor site of the intron before coding-DNA position 4864, G replaced by C.
Molecular consequence: splice acceptor variant.
Genome position (GRCh38, 1-based): chr6:33,164,474, C>G on the plus strand (G>C on the coding strand, the complement: COL11A2 is on the minus strand). VCF-style: chr6-33164474-C-G. GRCh37 (hg19) VCF-style: chr6-33132251-C-G.
Other names: c.4543-1G>C (NM_080679.3); c.4606-1G>C (NM_080681.3).
Identifiers: ClinVar variation 2095221 (VCV002095221.4), dbSNP rs2534387868, ClinGen allele CA363616702.